The following is an entry in ClinVar:

NM_014956.5(CEP164):c.3045G>A (p.Val1015=)

Gene: CEP164 (centrosomal protein 164; plus strand). Cytogenetic location: 11q23.3.
Variant type: single nucleotide variant.
Coding change: c.3045G>A on transcript NM_014956.5 (MANE Select); coding-DNA position 3045, G replaced by A.
Protein change: p.Val1015=; no amino-acid change (valine 1015 retained).
Molecular consequence: synonymous variant.
Genome position (GRCh38, 1-based): chr11:117,395,678, G>A. VCF-style: chr11-117395678-G-A. GRCh37 (hg19) VCF-style: chr11-117266394-G-A.
Other names: c.3054G>A, p.Val1018= (NM_001271933.2); c.3045G>A (NM_014956.4).
Identifiers: ClinVar variation 1118681 (VCV001118681.10), dbSNP rs201873800, ClinGen allele CA6295310.

ClinVar aggregate classification (germline): Likely benign. Review status: criteria provided, single submitter (1 of 4 stars). 2 submissions from 2 submitters: Likely benign (1). 1 of the submissions does not count toward it. Last evaluated 2026-01-12.

Conditions:
Nephronophthisis 15 (NPHP15). Identifiers: Orphanet 3156, MedGen C3541853, MONDO:0013917, OMIM 614845.
CEP164-related disorder. Also called: CEP164-related condition.

Allele frequency attached by ClinVar (database versions not stated): gnomAD exomes 0.00001 and 0.00002; gnomAD 0.00003; TOPMed 0.00002; ExAC 0.00002; ESP Exome Variant Server 0.00008.
gnomAD v4.1: 36 of 1,613,198 alleles (0.0022%); highest among the groups gnomAD compares: Non-Finnish European, 0.0028%; no homozygotes.

Submissions (2):

Labcorp Genetics (formerly Invitae), Labcorp
Classification: Likely benign for Nephronophthisis 15. Last evaluated: 2026-01-12. Review status: criteria provided, single submitter. Criteria: Invitae Variant Classification Sherloc (09022015). Collection method: clinical testing. Allele origin: germline.

PreventionGenetics, part of Exact Sciences
Classification: Likely benign for CEP164-related condition. Last evaluated: 2024-04-04. Review status: no assertion criteria provided. Collection method: clinical testing. Allele origin: germline. Not counted in ClinVar's aggregate classification.
Comment: This variant is classified as likely benign based on ACMG/AMP sequence variant interpretation guidelines (Richards et al. 2015 PMID: 25741868, with internal and published modifications).